The following is an entry in ClinVar:

ClinVar aggregate classification (germline): Uncertain significance (1 of 4 stars; one submission).

Allele frequency attached by ClinVar (database versions not stated): gnomAD exomes below 0.00001; ExAC 0.00001; gnomAD 0.00001.
gnomAD v4.1: 5 of 1,611,160 alleles (0.00031%); highest among the groups gnomAD compares: Admixed American, 0.0033%; no homozygotes.

Submission:

Labcorp Genetics (formerly Invitae), Labcorp
Classification: Uncertain significance. Last evaluated: 2023-08-10. Review status: criteria provided, single submitter. Criteria: Invitae Variant Classification Sherloc (09022015). Collection method: clinical testing. Allele origin: germline.
Comment: In summary, the available evidence is currently insufficient to determine the role of this variant in disease. Therefore, it has been classified as a Variant of Uncertain Significance. This sequence change falls in intron 7 of the MAPKAPK3 gene. It does not directly change the encoded amino acid sequence of the MAPKAPK3 protein. It affects a nucleotide within the consensus splice site. This variant is present in population databases (rs772879007, gnomAD 0.0009%). This variant has not been reported in the literature in individuals affected with MAPKAPK3-related conditions. ClinVar contains an entry for this variant (Variation ID: 1944209). Variants that disrupt the consensus splice site are a relatively common cause of aberrant splicing (PMID: 17576681, 9536098). Algorithms developed to predict the effect of sequence changes on RNA splicing suggest that this variant is not likely to affect RNA splicing.

Literature cited by the submitters: PubMed 17576681; PubMed 9536098.

NM_001243925.2(MAPKAPK3):c.504+3G>A

Gene: MAPKAPK3 (MAPK activated protein kinase 3; plus strand). Cytogenetic location: 3p21.2.
Variant type: single nucleotide variant.
Coding change: c.504+3G>A on transcript NM_001243925.2 (MANE Select); 3 bases into the intron after coding-DNA position 504, G replaced by A.
Molecular consequence: intron variant.
Genome position (GRCh38, 1-based): chr3:50,642,335, G>A. VCF-style: chr3-50642335-G-A. GRCh37 (hg19) VCF-style: chr3-50679766-G-A.
Other names: c.504+3G>A (NM_001243926.2, NM_004635.5).
Identifiers: ClinVar variation 1944209 (VCV001944209.5), dbSNP rs772879007, ClinGen allele CA2420277.